The following is an entry in ClinVar:

NM_152393.4(KLHL40):c.1371G>A (p.Val457=)

Gene: KLHL40 (kelch like family member 40; plus strand). Cytogenetic location: 3p22.1.
Variant type: single nucleotide variant.
Coding change: c.1371G>A on transcript NM_152393.4 (MANE Select); coding-DNA position 1371, G replaced by A.
Protein change: p.Val457=; no amino-acid change (valine 457 retained).
Molecular consequence: synonymous variant.
Genome position (GRCh38, 1-based): chr3:42,688,667, G>A. VCF-style: chr3-42688667-G-A. GRCh37 (hg19) VCF-style: chr3-42730159-G-A.
Identifiers: ClinVar variation 387290 (VCV000387290.35), dbSNP rs142716131, ClinGen allele CA2336938.

ClinVar aggregate classification (germline): Likely benign. Review status: criteria provided, multiple submitters, no conflicts (2 of 4 stars). 3 submissions from 3 submitters: Likely benign (3). Last evaluated 2025-09-13.

Conditions:
Nemaline myopathy 8 (NEM8). Also called: Nemaline myopathy 8, autosomal recessive. Identifiers: Orphanet 171430, MedGen C3809209, MONDO:0014138, OMIM 615348.

Allele frequency attached by ClinVar (database versions not stated): ExAC 0.00015; 1000 Genomes Project 30x 0.00031; gnomAD 0.00032 and 0.00036; ESP Exome Variant Server 0.00038; 1000 Genomes Project 0.00040; TOPMed 0.00040; gnomAD exomes 0.00005 and 0.00011.
gnomAD v4.1: 134 of 1,614,046 alleles (0.0083%); highest among the groups gnomAD compares: African/African-American, 0.14%; no homozygotes.

Submissions (3):

Labcorp Genetics (formerly Invitae), Labcorp
Classification: Likely benign for Nemaline myopathy 8. Last evaluated: 2025-09-13. Review status: criteria provided, single submitter. Criteria: Invitae Variant Classification Sherloc (09022015). Collection method: clinical testing. Allele origin: germline.

CeGaT Center for Human Genetics Tuebingen
Classification: Likely benign. Last evaluated: 2023-03-01. Review status: criteria provided, single submitter. Criteria: CeGaT Center For Human Genetics Tuebingen Variant Classification Criteria Version 2. Collection method: clinical testing. Allele origin: germline. Affected: yes. Observed: 1 variant allele.
Comment: KLHL40: BP4, BP7

GeneDx
Classification: Likely benign. Last evaluated: 2017-08-10. Review status: criteria provided, single submitter. Criteria: GeneDx Variant Classification (06012015). Collection method: clinical testing. Allele origin: germline. Affected: yes.
Comment: This variant is considered likely benign or benign based on one or more of the following criteria: it is a conservative change, it occurs at a poorly conserved position in the protein, it is predicted to be benign by multiple in silico algorithms, and/or has population frequency not consistent with disease.